The following is an entry in ClinVar:

ClinVar aggregate classification (germline): Uncertain significance. Review status: criteria provided, multiple submitters, no conflicts (2 of 4 stars). 3 submissions from 3 submitters: Uncertain significance (2). 1 of the submissions does not count toward it. Last evaluated 2026-01-07.

Conditions:
Very long chain acyl-CoA dehydrogenase deficiency (ACADVLD). Also called: VLCAD Deficiency; Very Long-Chain Acyl-Coenzyme A Dehydrogenase Deficiency. Identifiers: Orphanet 26793, MedGen C3887523, MONDO:0008723, OMIM 201475.

gnomAD v4.1: 6 of 1,614,208 alleles (0.00037%); highest among the groups gnomAD compares: East Asian, 0.0022%; no homozygotes.

Submissions (3):

Women's Health and Genetics/Laboratory Corporation of America, LabCorp
Classification: Uncertain significance. Last evaluated: 2026-01-07. Review status: criteria provided, single submitter. Criteria: LabCorp Variant Classification Summary - May 2015. Collection method: clinical testing. Allele origin: germline.
Comment: Variant summary: ACADVL c.253G>C (p.Asp85His) results in a non-conservative amino acid change in the encoded protein sequence. Algorithms developed to predict the effect of missense changes on protein structure and function are either unavailable or do not agree on the potential impact of this missense change. The variant allele was found at a frequency of 1.2e-05 in 251478 control chromosomes. The available data on variant occurrences in the general population are insufficient to allow any conclusion about variant significance. To our knowledge, no occurrence of c.253G>C in individuals affected with ACADVL-related conditions and no experimental evidence demonstrating its impact on protein function have been reported. ClinVar contains an entry for this variant (Variation ID: 4065002). Based on the evidence outlined above, the variant was classified as uncertain significance.

Labcorp Genetics (formerly Invitae), Labcorp
Classification: Uncertain significance for Very long chain acyl-CoA dehydrogenase deficiency. Last evaluated: 2025-06-14. Review status: criteria provided, single submitter. Criteria: Invitae Variant Classification Sherloc (09022015). Collection method: clinical testing. Allele origin: germline.
Comment: This sequence change replaces aspartic acid, which is acidic and polar, with histidine, which is basic and polar, at codon 85 of the ACADVL protein (p.Asp85His). This variant is present in population databases (rs781758731, gnomAD 0.006%). This missense change has been observed in individual(s) with VLCAD deficiency (internal data). In at least one individual the data is consistent with being in trans (on the opposite chromosome) from a pathogenic variant. Invitae Evidence Modeling of protein sequence and biophysical properties (such as structural, functional, and spatial information, amino acid conservation, physicochemical variation, residue mobility, and thermodynamic stability) indicates that this missense variant is not expected to disrupt ACADVL protein function with a negative predictive value of 80%. In summary, the available evidence is currently insufficient to determine the role of this variant in disease. Therefore, it has been classified as a Variant of Uncertain Significance.

Natera, Inc.
Classification: Uncertain significance for Very long chain acyl-CoA dehydrogenase deficiency. Last evaluated: 2025-04-18. Review status: no assertion criteria provided. Collection method: clinical testing. Allele origin: germline. Not counted in ClinVar's aggregate classification.

NM_000018.4(ACADVL):c.253G>C (p.Asp85His)

Gene: ACADVL (acyl-CoA dehydrogenase very long chain; plus strand). Cytogenetic location: 17p13.1.
Variant type: single nucleotide variant.
Coding change: c.253G>C on transcript NM_000018.4 (MANE Select); coding-DNA position 253, G replaced by C.
Protein change: p.Asp85His; replaces aspartic acid 85 with histidine.
Molecular consequence: missense variant.
Genome position (GRCh38, 1-based): chr17:7,220,652, G>C. VCF-style: chr17-7220652-G-C. GRCh37 (hg19) VCF-style: chr17-7123971-G-C.
Other names: c.187G>C, p.Asp63His (NM_001033859.3); c.322G>C, p.Asp108His (NM_001270447.2); c.25G>C, p.Asp9His (NM_001270448.2); short protein forms D108H, D63H, D85H, D9H.
Identifiers: ClinVar variation 4065002 (VCV004065002.3).